The following is an entry in ClinVar:

NM_000127.3(EXT1):c.2121G>A (p.Thr707=)

Gene: EXT1 (exostosin glycosyltransferase 1; minus strand). Cytogenetic location: 8q24.11.
Variant type: single nucleotide variant.
Coding change: c.2121G>A on transcript NM_000127.3 (MANE Select); coding-DNA position 2121, G replaced by A.
Protein change: p.Thr707=; no amino-acid change (threonine 707 retained).
Molecular consequence: synonymous variant.
Genome position (GRCh38, 1-based): chr8:117,799,832, C>T on the plus strand (G>A on the coding strand, the complement: EXT1 is on the minus strand). VCF-style: chr8-117799832-C-T. GRCh37 (hg19) VCF-style: chr8-118812071-C-T.
Other names: c.2121G>A (NM_000127.2).
Identifiers: ClinVar variation 1430295 (VCV001430295.9), dbSNP rs746184779, ClinGen allele CA4853942.

ClinVar aggregate classification (germline): Likely benign. Review status: criteria provided, single submitter (1 of 4 stars). 2 submissions from 2 submitters: Likely benign (1). 1 of the submissions does not count toward it. Last evaluated 2024-07-10.

Conditions:
EXT1-related disorder. Also called: EXT1-related condition.
Multiple congenital exostosis (EXT). Also called: Hereditary multiple osteochondromas; Hereditary multiple exostoses; Hereditary multiple exostosis; Multiple osteochondromas; Multiple exostoses; MULTIPLE CARTILAGINOUS EXOSTOSES. Identifiers: Orphanet 321, MedGen C0015306, MONDO:0005508, HP:0002762.

Allele frequency attached by ClinVar (database versions not stated): gnomAD 0.00001; TOPMed 0.00002; ExAC 0.00003; gnomAD exomes 0.00004.
gnomAD v4.1: 16 of 1,614,028 alleles (0.00099%); highest among the groups gnomAD compares: Admixed American, 0.01%; no homozygotes.

Submissions (2):

Labcorp Genetics (formerly Invitae), Labcorp
Classification: Likely benign for Multiple congenital exostosis. Last evaluated: 2024-07-10. Review status: criteria provided, single submitter. Criteria: Invitae Variant Classification Sherloc (09022015). Collection method: clinical testing. Allele origin: germline.

PreventionGenetics, part of Exact Sciences
Classification: Likely benign for EXT1-related condition. Last evaluated: 2019-06-19. Review status: no assertion criteria provided. Collection method: clinical testing. Allele origin: germline. Not counted in ClinVar's aggregate classification.
Comment: This variant is classified as likely benign based on ACMG/AMP sequence variant interpretation guidelines (Richards et al. 2015 PMID: 25741868, with internal and published modifications).